The following is an entry in ClinVar:

NM_002382.5(MAX):c.172-6164A>G

Gene: MAX (MYC associated transcriptional regulator X; minus strand). Cytogenetic location: 14q23.3.
Variant type: single nucleotide variant.
Coding change: c.172-6164A>G on transcript NM_002382.5 (MANE Select); 6164 bases into the intron before coding-DNA position 172, A replaced by G.
Molecular consequence: intron variant. On other transcripts: missense variant (3), 3 prime UTR variant (1), non-coding transcript variant (4).
Genome position (GRCh38, 1-based): chr14:65,084,200, T>C on the plus strand (A>G on the coding strand, the complement: MAX is on the minus strand). VCF-style: chr14-65084200-T-C. GRCh37 (hg19) VCF-style: chr14-65550918-T-C.
Other names: c.244A>G, p.Lys82Glu (NM_001271068.2, NM_001407113.1); c.*45A>G (NM_001407114.1); c.271A>G, p.Lys91Glu (NM_145114.3); c.144+9508A>G (NM_001271069.2); c.171+9508A>G (NM_197957.4); c.-196-6164A>G (NM_001407112.1, NM_001407111.1); c.-103-6164A>G (NM_001407106.1, NM_001407107.1, NM_001320415.2 and 1 more transcripts); c.145-6164A>G (NM_001407095.1, NM_001407110.1, NM_001407102.1 and 6 more transcripts); and 2 more; short protein forms K91E, K82E.
Identifiers: ClinVar variation 5023985 (VCV005023985.1).
Genomic context (GRCh38, chr14:65,084,200, plus strand): 5'-GGAGTAAGACATTTGTGTAAGGGGTCAAAACAATCATTTTTTAAATCTTGCATTCTTTTT[T>C]CTTGTGCACTTGGTAGCTTGAAATGAAGGTGTGGCATTTCTGCATCAAACTTTGACGATG-3'

ClinVar aggregate classification (germline): Uncertain significance (1 of 4 stars; one submission).

Conditions:
Hereditary cancer-predisposing syndrome. Also called: Neoplastic Syndromes, Hereditary; Tumor predisposition; Hereditary neoplastic syndrome; Hereditary Cancer Syndrome. Identifiers: Orphanet 140162, MedGen C0027672, MeSH D009386, MONDO:0015356.

Submission:

Ambry Genetics
Classification: Uncertain significance for Hereditary cancer-predisposing syndrome. Last evaluated: 2026-07-07. Review status: criteria provided, single submitter. Criteria: Ambry Variant Classification Scheme 2023. Collection method: clinical testing. Allele origin: germline.
Comment: The p.K91E variant (also known as c.271A>G), located in coding exon 4 of the MAX gene, results from an A to G substitution at nucleotide position 271. The lysine at codon 91 is replaced by glutamic acid, an amino acid with similar properties. This amino acid position is conserved. In addition, this alteration is predicted to be tolerated by in silico analysis. Based on the available evidence, the clinical significance of this variant remains unclear.